The following is an entry in ClinVar:

ClinVar aggregate classification (germline): Likely benign (1 of 4 stars; one submission).

Allele frequency attached by ClinVar (database versions not stated): ExAC 0.00002.
gnomAD v4.1: 68 of 1,613,702 alleles (0.0042%); highest among the groups gnomAD compares: Non-Finnish European, 0.0054%; no homozygotes.

Submission:

CeGaT Center for Human Genetics Tuebingen
Classification: Likely benign. Last evaluated: 2022-05-01. Review status: criteria provided, single submitter. Criteria: CeGaT Center For Human Genetics Tuebingen Variant Classification Criteria Version 2. Collection method: clinical testing. Allele origin: germline. Affected: yes. Observed: 1 variant allele.
Comment: HYOU1: BP4, BP7

Single allele

Gene: HYOU1 (hypoxia up-regulated 1; minus strand). Cytogenetic location: 11q23.3.
Variant type: single nucleotide variant.
Molecular consequence: synonymous variant (on NM_006389.5).
Genome position: GRCh38 VCF-style: chr11-119055839-T-C.
Other names: c.96A>G, p.Thr32= (NM_001130991.3, NM_001411041.1, NM_006389.5).
Identifiers: ClinVar variation 2642453 (VCV002642453.21), dbSNP rs2133615659, ClinGen allele CA229649442.